The following is an entry in ClinVar:

ClinVar aggregate classification (germline): Uncertain significance. Review status: criteria provided, multiple submitters, no conflicts (2 of 4 stars). 2 submissions from 2 submitters: Uncertain significance (2). Last evaluated 2024-04-17.

Conditions:
Bartter disease type 2. Also called: HYPERPROSTAGLANDIN E SYNDROME 2; HYPOKALEMIC ALKALOSIS WITH HYPERCALCIURIA 2, ANTENATAL; Bartter syndrome, type 2, antenatal. Identifiers: Orphanet 112, Orphanet 620220, MedGen C1855849, MONDO:0009424, OMIM 241200.

Allele frequency attached by ClinVar (database versions not stated): gnomAD 0.00002; TOPMed 0.00004; gnomAD exomes 0.00005; ExAC 0.00007; ESP Exome Variant Server 0.00008.
gnomAD v4.1: 113 of 1,613,644 alleles (0.007%); highest among the groups gnomAD compares: Non-Finnish European, 0.0087%; no homozygotes.

Submissions (2):

Fulgent Genetics
Classification: Uncertain significance for Bartter disease type 2. Last evaluated: 2024-04-17. Review status: criteria provided, single submitter. Criteria: ACMG Guidelines, 2015. Collection method: clinical testing. Allele origin: germline.

Labcorp Genetics (formerly Invitae), Labcorp
Classification: Uncertain significance. Last evaluated: 2021-09-01. Review status: criteria provided, single submitter. Criteria: Invitae Variant Classification Sherloc (09022015). Collection method: clinical testing. Allele origin: germline.
Comment: This sequence change replaces threonine with methionine at codon 11 of the KCNJ1 protein (p.Thr11Met). The threonine residue is weakly conserved and there is a moderate physicochemical difference between threonine and methionine. This variant is present in population databases (rs111249880, ExAC 0.01%). This variant has not been reported in the literature in individuals affected with KCNJ1-related conditions. Algorithms developed to predict the effect of missense changes on protein structure and function output the following: SIFT: "Tolerated"; PolyPhen-2: "Benign"; Align-GVGD: "Class C0". The methionine amino acid residue is found in multiple mammalian species, which suggests that this missense change does not adversely affect protein function. In summary, the available evidence is currently insufficient to determine the role of this variant in disease. Therefore, it has been classified as a Variant of Uncertain Significance.

NM_153766.3(KCNJ1):c.-21-2122C>T

Gene: KCNJ1 (potassium inwardly rectifying channel subfamily J member 1; minus strand). Cytogenetic location: 11q24.3.
Variant type: single nucleotide variant.
Coding change: c.-21-2122C>T on transcript NM_153766.3 (MANE Select); 2122 bases into the intron before 21 bases upstream of the start codon, C replaced by T.
Molecular consequence: intron variant. On other transcripts: missense variant (1).
Genome position (GRCh38, 1-based): chr11:128,842,386, G>A on the plus strand (C>T on the coding strand, the complement: KCNJ1 is on the minus strand). VCF-style: chr11-128842386-G-A. GRCh37 (hg19) VCF-style: chr11-128712281-G-A.
Other names: c.32C>T, p.Thr11Met (NM_000220.6); c.-21-2122C>T (NM_153764.3, NM_153767.4); c.31-2122C>T (NM_153765.3); short protein forms T11M.
Identifiers: ClinVar variation 1519956 (VCV001519956.7), dbSNP rs111249880, ClinGen allele CA6357617.